The following is an entry in ClinVar:

ClinVar aggregate classification (germline): Uncertain significance (1 of 4 stars; one submission).

Conditions:
Inborn genetic diseases. Identifiers: MedGen C0950123, MeSH D030342.

Submission:

Ambry Genetics
Classification: Uncertain significance for Inborn genetic diseases. Last evaluated: 2026-07-26. Review status: criteria provided, single submitter. Criteria: Ambry Variant Classification Scheme 2023. Collection method: clinical testing. Allele origin: germline.
Comment: The p.Q838P variant (also known as c.2513A>C), located in coding exon 22 of the ANKRD26 gene, results from an A to C substitution at nucleotide position 2513. The glutamine at codon 838 is replaced by proline, an amino acid with similar properties. This amino acid position is conserved. In addition, this alteration is predicted to be tolerated by in silico analysis. Based on the available evidence, the clinical significance of this variant remains unclear.

NM_014915.3(ANKRD26):c.2513A>C (p.Gln838Pro)

Gene: ANKRD26 (ankyrin repeat domain 26; minus strand). Cytogenetic location: 10p12.1.
Variant type: single nucleotide variant.
Coding change: c.2513A>C on transcript NM_014915.3 (MANE Select); coding-DNA position 2513, A replaced by C.
Protein change: p.Gln838Pro; replaces glutamine 838 with proline.
Molecular consequence: missense variant.
Genome position (GRCh38, 1-based): chr10:27,037,917, T>G on the plus strand (A>C on the coding strand, the complement: ANKRD26 is on the minus strand). VCF-style: chr10-27037917-T-G. GRCh37 (hg19) VCF-style: chr10-27326846-T-G.
Other names: c.2510A>C, p.Gln837Pro (NM_001256053.2); short protein forms Q837P, Q838P.
Identifiers: ClinVar variation 5023324 (VCV005023324.1).
Genomic context (GRCh38, chr10:27,037,917, plus strand): 5'-AAAAATTAATTTACCTGATTCAAATTACTTTTTACAGTCCTCAATTCCATCTCCAGTGTT[T>G]GGAGACTCAGTTCAAGCTGTTGTTTCACTTCAACTTCTTTCCTATATTGCTCTTCTTTTC-3'
Protein context (NP_055730.2, residues 828-848): EVKQQLELSL[Gln838Pro]TLEMELRTVK